The following is an entry in ClinVar:

ClinVar aggregate classification (germline): Likely benign. Review status: criteria provided, multiple submitters, no conflicts (2 of 4 stars). 4 submissions from 4 submitters: Likely benign (4). Last evaluated 2026-04-20.

Conditions:
RINT1-related disorder. Also called: RINT1-related condition.

Allele frequency attached by ClinVar (database versions not stated): ESP Exome Variant Server 0.00008; ExAC 0.00019; gnomAD 0.00019 and 0.00020; gnomAD exomes 0.00020 and 0.00034; TOPMed 0.00020.
gnomAD v4.1: 501 of 1,563,200 alleles (0.032%); highest among the groups gnomAD compares: Non-Finnish European, 0.042%; 1 homozygote.

Submissions (4):

PreventionGenetics, part of Exact Sciences
Classification: Likely benign for RINT1-related condition. Last evaluated: 2026-04-20. Review status: criteria provided, single submitter. Criteria: ACMG Guidelines, 2015. Collection method: clinical testing. Allele origin: germline.
Comment: This variant is classified as likely benign based on ACMG/AMP sequence variant interpretation guidelines (Richards et al. 2015 PMID: 25741868, with internal and published modifications).

Labcorp Genetics (formerly Invitae), Labcorp
Classification: Likely benign. Last evaluated: 2026-01-27. Review status: criteria provided, single submitter. Criteria: Invitae Variant Classification Sherloc (09022015). Collection method: clinical testing. Allele origin: germline.

CeGaT Center for Human Genetics Tuebingen
Classification: Likely benign. Last evaluated: 2024-02-01. Review status: criteria provided, single submitter. Criteria: CeGaT Center For Human Genetics Tuebingen Variant Classification Criteria Version 2. Collection method: clinical testing. Allele origin: germline. Affected: yes. Observed: 4 variant alleles.
Comment: RINT1: BP4, BP7

Ambry Genetics
Classification: Likely benign. Last evaluated: 2020-08-17. Review status: criteria provided, single submitter. Criteria: Ambry Variant Classification Scheme 2023. Collection method: clinical testing. Allele origin: germline.

NM_021930.6(RINT1):c.2184A>G (p.Lys728=)

Genes: EFCAB10 (EF-hand calcium binding domain 10; minus strand), RINT1 (RAD50 interactor 1; plus strand). Cytogenetic location: 7q22.3.
Variant type: single nucleotide variant.
Coding change: c.2184A>G on transcript NM_021930.6 (MANE Select); coding-DNA position 2184, A replaced by G.
Protein change: p.Lys728=; no amino-acid change (lysine 728 retained).
Molecular consequence: synonymous variant. On other transcripts: non-coding transcript variant (1), intron variant (3).
Genome position (GRCh38, 1-based): chr7:105,565,646, A>G. VCF-style: chr7-105565646-A-G. GRCh37 (hg19) VCF-style: chr7-105206093-A-G.
Other names: c.2184A>G (NM_021930.5); c.1950A>G, p.Lys650= (NM_001346599.2); c.1161A>G, p.Lys387= (NM_001346600.2, NM_001346603.2); c.1260A>G, p.Lys420= (NM_001346601.2); c.360-199T>C (NM_001355531.2); c.384-199T>C (NM_001355526.2); c.384-31T>C (NM_001355530.2).
Identifiers: ClinVar variation 696614 (VCV000696614.38), dbSNP rs367923152, ClinGen allele CA4426888.
Genomic context (GRCh38, chr7:105,565,646, plus strand): 5'-GACTCGGAATCTTTTCCCTTTGTTTTCTCACTATTGCAAGAGACCAGAAAATTATTTTAA[A>G]CAGTAAGCTCAACATTTAACAATTAATATTAATGTATCAAATTGTTACAGGAGGCTAACT-3'
Protein context (NP_068749.3, residues 718-738): HYCKRPENYF[Lys728=]HIKEACIVLN